The following is an entry in ClinVar:

NM_177924.5(ASAH1):c.1036C>G (p.Gln346Glu)

Gene: ASAH1 (N-acylsphingosine amidohydrolase 1; minus strand). Cytogenetic location: 8p22.
Variant type: single nucleotide variant.
Coding change: c.1036C>G on transcript NM_177924.5 (MANE Select); coding-DNA position 1036, C replaced by G.
Protein change: p.Gln346Glu; replaces glutamine 346 with glutamic acid.
Molecular consequence: missense variant.
Genome position (GRCh38, 1-based): chr8:18,059,346, G>C on the plus strand (C>G on the coding strand, the complement: ASAH1 is on the minus strand). VCF-style: chr8-18059346-G-C. GRCh37 (hg19) VCF-style: chr8-17916855-G-C.
Other names: c.1018C>G, p.Gln340Glu (NM_001127505.3); c.841C>G, p.Gln281Glu (NM_001363743.2); c.1084C>G, p.Gln362Glu (NM_004315.6); c.1036C>G (NM_177924.3); short protein forms Q346E, Q281E, Q340E, Q362E.
Identifiers: ClinVar variation 1402208 (VCV001402208.7), dbSNP rs1371933986, ClinGen allele CA370427244.

ClinVar aggregate classification (germline): Uncertain significance. Review status: criteria provided, multiple submitters, no conflicts (2 of 4 stars). 2 submissions from 2 submitters: Uncertain significance (2). Last evaluated 2024-10-06.

Conditions:
Inborn genetic diseases. Identifiers: MedGen C0950123, MeSH D030342.

Allele frequency attached by ClinVar (database versions not stated): gnomAD exomes below 0.00001.
gnomAD v4.1: 1 of 1,614,198 alleles (0.000062%); highest among the groups gnomAD compares: Non-Finnish European, 0.000085%; no homozygotes.

Submissions (2):

Ambry Genetics
Classification: Uncertain significance for Inborn genetic diseases. Last evaluated: 2024-10-06. Review status: criteria provided, single submitter. Criteria: Ambry Variant Classification Scheme 2023. Collection method: clinical testing. Allele origin: germline.

Labcorp Genetics (formerly Invitae), Labcorp
Classification: Uncertain significance. Last evaluated: 2022-02-21. Review status: criteria provided, single submitter. Criteria: Invitae Variant Classification Sherloc (09022015). Collection method: clinical testing. Allele origin: germline.
Comment: This sequence change replaces glutamine, which is neutral and polar, with glutamic acid, which is acidic and polar, at codon 346 of the ASAH1 protein (p.Gln346Glu). This variant is not present in population databases (gnomAD no frequency). This variant has not been reported in the literature in individuals affected with ASAH1-related conditions. Algorithms developed to predict the effect of missense changes on protein structure and function are either unavailable or do not agree on the potential impact of this missense change (SIFT: "Deleterious"; PolyPhen-2: "Possibly Damaging"; Align-GVGD: "Class C0"). In summary, the available evidence is currently insufficient to determine the role of this variant in disease. Therefore, it has been classified as a Variant of Uncertain Significance.